The following is an entry in ClinVar:

NM_145262.4(GLYCTK):c.817C>T (p.Arg273Cys)

Gene: GLYCTK (glycerate kinase; plus strand). Cytogenetic location: 3p21.2.
Variant type: single nucleotide variant.
Coding change: c.817C>T on transcript NM_145262.4 (MANE Select); coding-DNA position 817, C replaced by T.
Protein change: p.Arg273Cys; replaces arginine 273 with cysteine.
Molecular consequence: missense variant. On other transcripts: non-coding transcript variant (3).
Genome position (GRCh38, 1-based): chr3:52,292,371, C>T. VCF-style: chr3-52292371-C-T. GRCh37 (hg19) VCF-style: chr3-52326387-C-T.
Other names: c.641C>T, p.Ser214Leu (NM_001144951.2); c.817C>T (NM_145262.3); short protein forms R273C, S214L.
Identifiers: ClinVar variation 2144354 (VCV002144354.5), dbSNP rs763764465, ClinGen allele CA2432186.

ClinVar aggregate classification (germline): Uncertain significance. Review status: criteria provided, multiple submitters, no conflicts (2 of 4 stars). 2 submissions from 2 submitters: Uncertain significance (2). Last evaluated 2025-07-07.

Allele frequency attached by ClinVar (database versions not stated): ExAC 0.00003; gnomAD 0.00004; gnomAD exomes 0.00005; TOPMed 0.00005; 1000 Genomes Project 30x 0.00016.
gnomAD v4.1: 78 of 1,614,030 alleles (0.0048%); highest among the groups gnomAD compares: Admixed American, 0.017%; no homozygotes.

Submissions (2):

Labcorp Genetics (formerly Invitae), Labcorp
Classification: Uncertain significance. Last evaluated: 2025-07-07. Review status: criteria provided, single submitter. Criteria: Invitae Variant Classification Sherloc (09022015). Collection method: clinical testing. Allele origin: germline.
Comment: This sequence change replaces arginine, which is basic and polar, with cysteine, which is neutral and slightly polar, at codon 273 of the GLYCTK protein (p.Arg273Cys). This variant is present in population databases (rs763764465, gnomAD 0.02%). This variant has not been reported in the literature in individuals affected with GLYCTK-related conditions. ClinVar contains an entry for this variant (Variation ID: 2144354). Invitae Evidence Modeling of protein sequence and biophysical properties (such as structural, functional, and spatial information, amino acid conservation, physicochemical variation, residue mobility, and thermodynamic stability) indicates that this missense variant is not expected to disrupt GLYCTK protein function with a negative predictive value of 80%. In summary, the available evidence is currently insufficient to determine the role of this variant in disease. Therefore, it has been classified as a Variant of Uncertain Significance.

Ambry Genetics
Classification: Uncertain significance. Last evaluated: 2025-01-07. Review status: criteria provided, single submitter. Criteria: Ambry Variant Classification Scheme 2023. Collection method: clinical testing. Allele origin: germline.